The following is an entry in ClinVar:

ClinVar aggregate classification (germline): Uncertain significance (1 of 4 stars; one submission).

Conditions:
Rubinstein-Taybi syndrome due to EP300 haploinsufficiency. Also called: EP300-Related Rubinstein-Taybi Syndrome; RUBINSTEIN-TAYBI SYNDROME 2. Identifiers: Orphanet 353284, Orphanet 783, MedGen C3150941, MONDO:0013364, OMIM 613684.

Submission:

Labcorp Genetics (formerly Invitae), Labcorp
Classification: Uncertain significance for Rubinstein-Taybi syndrome due to EP300 haploinsufficiency. Last evaluated: 2023-01-30. Review status: criteria provided, single submitter. Criteria: Invitae Variant Classification Sherloc (09022015). Collection method: clinical testing. Allele origin: germline.
Comment: This sequence change replaces lysine, which is basic and polar, with asparagine, which is neutral and polar, at codon 1340 of the EP300 protein (p.Lys1340Asn). This variant is not present in population databases (gnomAD no frequency). This variant has not been reported in the literature in individuals affected with EP300-related conditions. Advanced modeling of protein sequence and biophysical properties (such as structural, functional, and spatial information, amino acid conservation, physicochemical variation, residue mobility, and thermodynamic stability) performed at Invitae indicates that this missense variant is expected to disrupt EP300 protein function. In summary, the available evidence is currently insufficient to determine the role of this variant in disease. Therefore, it has been classified as a Variant of Uncertain Significance.

NM_001429.4(EP300):c.4020A>T (p.Lys1340Asn)

Gene: EP300 (EP300 lysine acetyltransferase; plus strand). Cytogenetic location: 22q13.2.
Variant type: single nucleotide variant.
Coding change: c.4020A>T on transcript NM_001429.4 (MANE Select); coding-DNA position 4020, A replaced by T.
Protein change: p.Lys1340Asn; replaces lysine 1340 with asparagine.
Molecular consequence: missense variant.
Genome position (GRCh38, 1-based): chr22:41,168,594, A>T. VCF-style: chr22-41168594-A-T. GRCh37 (hg19) VCF-style: chr22-41564598-A-T.
Other names: c.3942A>T, p.Lys1314Asn (NM_001362843.2); short protein forms K1340N, K1314N.
Identifiers: ClinVar variation 2832961 (VCV002832961.3), dbSNP rs2517820704, ClinGen allele CA411699684.